The following is an entry in ClinVar:

ClinVar aggregate classification (germline): Uncertain significance (1 of 4 stars; one submission).

gnomAD v4.1: 25 of 1,613,318 alleles (0.0015%); highest among the groups gnomAD compares: South Asian, 0.027%; no homozygotes.

Submission:

Labcorp Genetics (formerly Invitae), Labcorp
Classification: Uncertain significance. Last evaluated: 2022-10-13. Review status: criteria provided, single submitter. Criteria: Invitae Variant Classification Sherloc (09022015). Collection method: clinical testing. Allele origin: germline.
Comment: This sequence change replaces proline, which is neutral and non-polar, with alanine, which is neutral and non-polar, at codon 162 of the COL13A1 protein (p.Pro162Ala). This variant is present in population databases (rs776473774, gnomAD 0.02%). This variant has not been reported in the literature in individuals affected with COL13A1-related conditions. Algorithms developed to predict the effect of missense changes on protein structure and function (SIFT, PolyPhen-2, Align-GVGD) all suggest that this variant is likely to be disruptive. In summary, the available evidence is currently insufficient to determine the role of this variant in disease. Therefore, it has been classified as a Variant of Uncertain Significance.

NM_001368882.1(COL13A1):c.511C>G (p.Pro171Ala)

Gene: COL13A1 (collagen type XIII alpha 1 chain; plus strand). Cytogenetic location: 10q22.1.
Variant type: single nucleotide variant.
Coding change: c.511C>G on transcript NM_001368882.1 (MANE Select); coding-DNA position 511, C replaced by G.
Protein change: p.Pro171Ala; replaces proline 171 with alanine.
Molecular consequence: missense variant. On other transcripts: 5 prime UTR variant (1), intron variant (5).
Genome position (GRCh38, 1-based): chr10:69,880,551, C>G. VCF-style: chr10-69880551-C-G. GRCh37 (hg19) VCF-style: chr10-71640307-C-G.
Other names: c.484C>G, p.Pro162Ala (NM_001130103.2, NM_080800.4, NM_080801.4 and 1 more transcripts); c.511C>G, p.Pro171Ala (NM_001320951.2, NM_001368884.1); c.475C>G, p.Pro159Ala (NM_001368883.1, NM_001368885.1); c.-90C>G (NM_001368886.1); c.421C>G, p.Pro141Ala (NM_001368895.1); c.400-6905C>G (NM_080805.4, NM_001368897.1); c.373-6905C>G (NM_001368898.1, NM_080798.4, NM_001368896.1); short protein forms P162A, P171A, P159A, P141A.
Identifiers: ClinVar variation 1947921 (VCV001947921.5), dbSNP rs776473774, ClinGen allele CA5534191.